The following is an entry in ClinVar:

NM_003119.4(SPG7):c.19C>A (p.Leu7Met)

Genes: SPG7 (SPG7 matrix AAA peptidase subunit, paraplegin; plus strand), LOC130059818 (ATAC-STARR-seq lymphoblastoid silent region 7911; plus strand). Cytogenetic location: 16q24.3.
Variant type: single nucleotide variant.
Coding change: c.19C>A on transcript NM_003119.4 (MANE Select); coding-DNA position 19, C replaced by A.
Protein change: p.Leu7Met; replaces leucine 7 with methionine.
Molecular consequence: missense variant.
Genome position (GRCh38, 1-based): chr16:89,508,436, C>A. VCF-style: chr16-89508436-C-A. GRCh37 (hg19) VCF-style: chr16-89574844-C-A.
Other names: p.Leu7Met; c.19C>A, p.Leu7Met (NM_001363850.1, NM_199367.3); short protein forms L7M.
Identifiers: ClinVar variation 870871 (VCV000870871.42), dbSNP rs1188029212, ClinGen allele CA397415840.

ClinVar aggregate classification (germline): Uncertain significance. Review status: criteria provided, multiple submitters, no conflicts (2 of 4 stars). 2 submissions from 2 submitters: Uncertain significance (2). Last evaluated 2023-07-05.

Submissions (2):

Mayo Clinic Laboratories, Mayo Clinic
Classification: Uncertain significance. Last evaluated: 2023-07-05. Review status: criteria provided, single submitter. Criteria: ACMG Guidelines, 2015. Collection method: clinical testing. Allele origin: germline. Observed: 1 variant allele.
Comment: BP4, PM2_moderate

CeGaT Center for Human Genetics Tuebingen
Classification: Uncertain significance. Last evaluated: 2019-07-01. Review status: criteria provided, single submitter. Criteria: CeGaT Center For Human Genetics Tuebingen Variant Classification Criteria Version 2. Collection method: clinical testing. Allele origin: germline. Affected: yes. Observed: 1 variant allele.